The following is an entry in ClinVar:

ClinVar aggregate classification (germline): Uncertain significance. Review status: criteria provided, multiple submitters, no conflicts (2 of 4 stars). 2 submissions from 2 submitters: Uncertain significance (2). Last evaluated 2026-08-13.

Conditions:
Cutis laxa, autosomal recessive, type 1B (ARCL1B). Also called: CUTIS LAXA, AUTOSOMAL RECESSIVE, TYPE IB; EFEMP2-Related Cutis Laxa. Identifiers: Orphanet 90349, MedGen C3280798, MONDO:0013754, OMIM 614437. Disease mechanism: loss of function.
Cardiovascular phenotype. Identifiers: MedGen CN230736.

Submissions (2):

Ambry Genetics
Classification: Uncertain significance for Cardiovascular phenotype. Last evaluated: 2026-08-13. Review status: criteria provided, single submitter. Criteria: Ambry Variant Classification Scheme 2023. Collection method: clinical testing. Allele origin: germline.
Comment: The c.933_950dup18 variant (also known as p.D311_V316dup), located in coding exon 8 of the EFEMP2 gene, results from an in-frame duplication of 18 nucleotides at nucleotide positions 933 to 950. This results in the duplication of 6 extra residues (DTNRCV) between codons 311 and 316. This amino acid region ranges from highly conserved to not well conserved in available vertebrate species. In addition, this variant is predicted to be deleterious by in silico analysis (Choi Y et al. PLoS ONE. 2012; 7(10):e46688). Based on the available evidence, the clinical significance of this variant remains unclear.

Labcorp Genetics (formerly Invitae), Labcorp
Classification: Uncertain significance for Cutis laxa, autosomal recessive, type 1B. Last evaluated: 2022-08-18. Review status: criteria provided, single submitter. Criteria: Invitae Variant Classification Sherloc (09022015). Collection method: clinical testing. Allele origin: germline.
Comment: This variant, c.933_950dup, results in the insertion of 6 amino acid(s) of the EFEMP2 protein (p.Asp311_Val316dup), but otherwise preserves the integrity of the reading frame. In summary, the available evidence is currently insufficient to determine the role of this variant in disease. Therefore, it has been classified as a Variant of Uncertain Significance. Experimental studies and prediction algorithms are not available or were not evaluated, and the functional significance of this variant is currently unknown. This variant has not been reported in the literature in individuals affected with EFEMP2-related conditions. This variant is not present in population databases (gnomAD no frequency).

NM_016938.5(EFEMP2):c.933_950dup (p.Val316_Glu317insAspThrAsnArgCysVal)

Gene: EFEMP2 (EGF-like fibulin extracellular matrix protein 2; minus strand). Cytogenetic location: 11q13.1.
Variant type: Duplication.
Coding change: c.933_950dup on transcript NM_016938.5 (MANE Select); coding-DNA positions 933 to 950, 18 bases duplicated (CACCAACCGCTGCGTGGA).
Protein change: p.Val316_Glu317insAspThrAsnArgCysVal.
Molecular consequence: inframe insertion. On other transcripts: non-coding transcript variant (1).
Genome position (GRCh38, 1-based): chr11:65,868,319-65,868,336, TCCACGCAGCGGTTGGTG duplicated on the plus strand (CACCAACCGCTGCGTGGA on the coding strand, the reverse complement: EFEMP2 is on the minus strand); duplicating any 18 consecutive bases within chr11:65,868,319-65,868,349 gives the same sequence; the c. name uses the placement nearest the transcript's 3' end. VCF-style (leftmost placement, unchanged base first): chr11-65868318-C-CTCCACGCAGCGGTTGGTG. GRCh37 (hg19) VCF-style: chr11-65635789-C-CTCCACGCAGCGGTTGGTG.
Other names: c.933_950dupCACCAACCGCTGCGTGGA (NM_016938.4).
Identifiers: ClinVar variation 2061583 (VCV002061583.4), dbSNP rs1859899591, ClinGen allele CA1979443810.
Genomic context (GRCh38, chr11:65,868,318, plus strand): 5'-GTAGTTTCTGTGGGGGCCTGGCATCGAATTGACTCACTTCTCAGAGACCTGGATGTAGGG[C>CTCCACGCAGCGGTTGGTG]TCCACGCAGCGGTTGGTGTCCACGCAGCGGTAGCCCCCATGGAAGTTGACACAGGTTTGG-3'